The following is an entry in ClinVar:

ClinVar aggregate classification (germline): Uncertain significance. Review status: criteria provided, single submitter (1 of 4 stars). 2 submissions from 2 submitters: Uncertain significance (1). 1 of the submissions does not count toward it. Last evaluated 2021-11-30.

Conditions:
COPB2-related disorder. Also called: COPB2-related condition.
Osteoporosis, childhood- or juvenile-onset, with developmental delay. Identifiers: MedGen C5676992, MONDO:0859253, OMIM 619884.

Submissions (2):

Undiagnosed Diseases Network, NIH
Classification: Uncertain significance for COPB2-related condition. Last evaluated: 2021-11-30. Review status: criteria provided, single submitter. Criteria: ACMG Guidelines, 2015. Collection method: clinical testing. Allele origin: de novo. Inheritance: Autosomal dominant inheritance. Affected: yes. Observed: 1 variant allele, 1 compound heterozygote. Study: Undiagnosed Diseases Network (NIH), UDN.

OMIM
Classification: Pathogenic for OSTEOPOROSIS, CHILDHOOD- OR JUVENILE-ONSET, WITH DEVELOPMENTAL DELAY. Last evaluated: 2022-05-24. Review status: no assertion criteria provided. Collection method: literature only. Allele origin: germline. Not counted in ClinVar's aggregate classification.

Literature cited by the submitters: PubMed 34450031 (cited by Undiagnosed Diseases Network, NIH and OMIM).

NM_004766.3(COPB2):c.1906dup (p.Thr636fs)

Gene: COPB2 (COPI coat complex subunit beta 2; minus strand). Cytogenetic location: 3q23.
Variant type: Duplication.
Coding change: c.1906dup on transcript NM_004766.3 (MANE Select); coding-DNA position 1906, one base duplicated (A; older notation c.1906dupA).
Protein change: p.Thr636fs; shifts the reading frame from threonine 636.
Molecular consequence: frameshift variant. On other transcripts: non-coding transcript variant (1).
Genome position (GRCh38, 1-based): chr3:139,362,496, T duplicated on the plus strand (A on the coding strand, the reverse complement: COPB2 is on the minus strand). VCF-style (leftmost placement, unchanged base first): chr3-139362495-G-GT. GRCh37 (hg19) VCF-style: chr3-139081337-G-GT.
Other names: p.The636AsnfsX7; short protein forms T636fs.
Identifiers: ClinVar variation 1327120 (VCV001327120.4), dbSNP rs2107797719, ClinGen allele CA2573052094.